The following is an entry in ClinVar:

ClinVar aggregate classification (germline): Likely pathogenic. Review status: criteria provided, multiple submitters, no conflicts (2 of 4 stars). 3 submissions from 3 submitters: Likely pathogenic (3). Last evaluated 2025-06-19.

Conditions:
Fanconi anemia (FA). Also called: Fanconi's anemia. Identifiers: Orphanet 84, MedGen C0015625, MeSH D005199, MONDO:0019391.
Fanconi anemia complementation group A (FANCA). Also called: FANCA-Related Fanconi Anemia; Fanconi anemia, group A. Identifiers: Orphanet 84, MedGen C3469521, MONDO:0009215, OMIM 227650.

Submissions (3):

Labcorp Genetics (formerly Invitae), Labcorp
Classification: Likely pathogenic for Fanconi anemia. Last evaluated: 2025-06-19. Review status: criteria provided, single submitter. Criteria: Invitae Variant Classification Sherloc (09022015). Collection method: clinical testing. Allele origin: germline.
Comment: This variant results in the deletion of part of exon 2 (c.80-99_105del) of the FANCA gene. It is expected to disrupt RNA splicing. Variants that disrupt the donor or acceptor splice site typically lead to a loss of protein function (PMID: 16199547), and loss-of-function variants in FANCA are known to be pathogenic (PMID: 19367192). This variant is not present in population databases (gnomAD no frequency). This variant has not been reported in the literature in individuals affected with FANCA-related conditions. In summary, the currently available evidence indicates that the variant is pathogenic, but additional data are needed to prove that conclusively. Therefore, this variant has been classified as Likely Pathogenic.

Natera, Inc.
Classification: Likely pathogenic for Fanconi anemia. Last evaluated: 2024-03-11. Review status: criteria provided, single submitter. Criteria: Natera Variant Classification Schema (03/2026). Collection method: clinical testing. Allele origin: germline.
Comment: The c.80-99_105delTCGCTGGTGGGTTTCTCCGCGGCGTCCACCTGCGCGTCGGGCCGGGGACCCCGTGTGTGAATTGTGCTGTGATGGTTTCGAACCGACTTCTCTCCGTAGCGGGAAGGGTCAAGAGGGAAAAATAT variant in FANCA is a frameshift variant predicted to shift the reading frame and introduce a stop codon. This variant is expected to result in nonsense mediated decay, truncation, or a dysfunctional protein product. This variant is rare in the general population with a frequency below the threshold expected for the associated phenotype(s). Given the available evidence, this variant is classified as Likely Pathogenic.

Baylor Genetics
Classification: Likely pathogenic for Fanconi anemia complementation group A. Last evaluated: 2024-02-28. Review status: criteria provided, single submitter. Criteria: ACMG Guidelines, 2015. Collection method: clinical testing. Allele origin: unknown.

Literature cited by the submitters: PubMed 16199547 (cited by Labcorp Genetics (formerly Invitae), Labcorp); PubMed 19367192 (cited by Labcorp Genetics (formerly Invitae), Labcorp).

NM_000135.4(FANCA):c.80-99_105del

Gene: FANCA (FA complementation group A; minus strand). Cytogenetic location: 16q24.3.
Variant type: Deletion.
Coding change: c.80-99_105del on transcript NM_000135.4 (MANE Select); 99 bases into the intron before coding-DNA position 80 through coding-DNA position 105, 125 bases deleted.
Molecular consequence: splice acceptor variant.
Genome position (GRCh38, 1-based): chr16:89,815,961-89,816,085, 125 bases deleted. GRCh37 (hg19): chr16:89,882,369-89,882,493.
Other names: c.80-99_105delTCGCTGGTGGGTTTCTCCGCGGCGTCCACCTGCGCGTCGGGCCGGGGACCCCGTGTGTGAATTGTGCTGTGATGGTTTCGAACCGACTTCTCTCCGTAGCGGGAAGGGTCAAGAGGGAAAAATAT (NM_000135.3); c.80-99_105del (NM_001286167.3, NM_001351830.2, NM_001018112.3).
Identifiers: ClinVar variation 2675427 (VCV002675427.5), dbSNP rs2544390320, ClinGen allele CA2695201194.